The following is an entry in ClinVar:

ClinVar aggregate classification (germline): Uncertain significance. Review status: criteria provided, multiple submitters, no conflicts (2 of 4 stars). 3 submissions from 3 submitters: Uncertain significance (3). Last evaluated 2025-12-08.

Conditions:
Hereditary cancer-predisposing syndrome. Also called: Hereditary neoplastic syndrome; Neoplastic Syndromes, Hereditary; Tumor predisposition; Hereditary Cancer Syndrome. Identifiers: Orphanet 140162, MedGen C0027672, MeSH D009386, MONDO:0015356.
Neuroblastoma, susceptibility to, 3. Also called: ALK-Related Neuroblastic Tumor Susceptibility. Identifiers: Orphanet 635, MedGen C2751681, MONDO:0013083, OMIM 613014.

Allele frequency attached by ClinVar (database versions not stated): TOPMed below 0.00001; ExAC 0.00001.
gnomAD v4.1: 1 of 1,614,122 alleles (0.000062%); highest among the groups gnomAD compares: Non-Finnish European, 0.000085%; no homozygotes.

Submissions (3):

Ambry Genetics
Classification: Uncertain significance for Hereditary cancer-predisposing syndrome. Last evaluated: 2025-12-08. Review status: criteria provided, single submitter. Criteria: Ambry Variant Classification Scheme 2023. Collection method: clinical testing. Allele origin: germline.
Comment: The p.P719S variant (also known as c.2155C>T), located in coding exon 12 of the ALK gene, results from a C to T substitution at nucleotide position 2155. The proline at codon 719 is replaced by serine, an amino acid with similar properties. This amino acid position is not well conserved in available vertebrate species. In addition, this alteration is predicted to be tolerated by in silico analysis. Based on the available evidence, the clinical significance of this variant remains unclear.

Labcorp Genetics (formerly Invitae), Labcorp
Classification: Uncertain significance for Neuroblastoma, susceptibility to, 3. Last evaluated: 2024-02-13. Review status: criteria provided, single submitter. Criteria: Invitae Variant Classification Sherloc (09022015). Collection method: clinical testing. Allele origin: germline.
Comment: This sequence change replaces proline, which is neutral and non-polar, with serine, which is neutral and polar, at codon 719 of the ALK protein (p.Pro719Ser). This variant is present in population databases (rs759652463, gnomAD 0.0009%). This variant has not been reported in the literature in individuals affected with ALK-related conditions. ClinVar contains an entry for this variant (Variation ID: 1022091). An algorithm developed to predict the effect of missense changes on protein structure and function (PolyPhen-2) suggests that this variant is likely to be tolerated. In summary, the available evidence is currently insufficient to determine the role of this variant in disease. Therefore, it has been classified as a Variant of Uncertain Significance.

GeneDx
Classification: Uncertain significance. Last evaluated: 2019-11-20. Review status: criteria provided, single submitter. Criteria: GeneDx Variant Classification Process June 2021. Collection method: clinical testing. Allele origin: germline. Affected: yes.
Comment: Not observed in large population cohorts (Lek 2016); In silico analysis, which includes protein predictors and evolutionary conservation, supports that this variant does not alter protein structure/function; Has not been previously published as pathogenic or benign to our knowledge

NM_004304.5(ALK):c.2155C>T (p.Pro719Ser)

Gene: ALK (ALK receptor tyrosine kinase; minus strand). Cytogenetic location: 2p23.2.
Variant type: single nucleotide variant.
Coding change: c.2155C>T on transcript NM_004304.5 (MANE Select); coding-DNA position 2155, C replaced by T.
Protein change: p.Pro719Ser; replaces proline 719 with serine.
Molecular consequence: missense variant.
Genome position (GRCh38, 1-based): chr2:29,251,154, G>A on the plus strand (C>T on the coding strand, the complement: ALK is on the minus strand). VCF-style: chr2-29251154-G-A. GRCh37 (hg19) VCF-style: chr2-29474020-G-A.
Other names: short protein forms P719S.
Identifiers: ClinVar variation 1022091 (VCV001022091.11), dbSNP rs759652463, ClinGen allele CA1594422.